The following is an entry in ClinVar:

NM_014956.5(CEP164):c.553-1G>A

Gene: CEP164 (centrosomal protein 164; plus strand). Cytogenetic location: 11q23.3.
Variant type: single nucleotide variant.
Coding change: c.553-1G>A on transcript NM_014956.5 (MANE Select); the canonical splice acceptor site of the intron before coding-DNA position 553, G replaced by A.
Molecular consequence: splice acceptor variant.
Genome position (GRCh38, 1-based): chr11:117,362,403, G>A. VCF-style: chr11-117362403-G-A. GRCh37 (hg19) VCF-style: chr11-117233119-G-A.
Other names: c.553-1G>A (NM_001271933.2).
Identifiers: ClinVar variation 1062189 (VCV001062189.7), dbSNP rs2041099865, ClinGen allele CA382731387.

ClinVar aggregate classification (germline): Likely pathogenic (1 of 4 stars; one submission).

Conditions:
Nephronophthisis 15 (NPHP15). Identifiers: Orphanet 3156, MedGen C3541853, MONDO:0013917, OMIM 614845.

Allele frequency attached by ClinVar (database versions not stated): gnomAD exomes below 0.00001; TOPMed 0.00001.
gnomAD v4.1: 1 of 1,610,736 alleles (0.000062%); highest among the groups gnomAD compares: Non-Finnish European, 0.000085%; no homozygotes.

Submission:

Labcorp Genetics (formerly Invitae), Labcorp
Classification: Likely pathogenic for Nephronophthisis 15. Last evaluated: 2022-09-27. Review status: criteria provided, single submitter. Criteria: Invitae Variant Classification Sherloc (09022015). Collection method: clinical testing. Allele origin: germline.
Comment: Algorithms developed to predict the effect of sequence changes on RNA splicing suggest that this variant may disrupt the consensus splice site. ClinVar contains an entry for this variant (Variation ID: 1062189). This variant has not been reported in the literature in individuals affected with CEP164-related conditions. This variant is not present in population databases (gnomAD no frequency). This sequence change affects an acceptor splice site in intron 6 of the CEP164 gene. It is expected to disrupt RNA splicing. Variants that disrupt the donor or acceptor splice site typically lead to a loss of protein function (PMID: 16199547), and loss-of-function variants in CEP164 are known to be pathogenic (PMID: 22863007, 28125082, 32367404, 34132027, 34499853). In summary, the currently available evidence indicates that the variant is pathogenic, but additional data are needed to prove that conclusively. Therefore, this variant has been classified as Likely Pathogenic.

Literature cited by the submitters: PubMed 16199547; PubMed 22863007; PubMed 28125082; PubMed 32367404; PubMed 34132027; PubMed 34499853.